The following is an entry in ClinVar:

NM_001035.3(RYR2):c.7623C>T (p.His2541=)

Gene: RYR2 (ryanodine receptor 2; plus strand). Cytogenetic location: 1q43.
Variant type: single nucleotide variant.
Coding change: c.7623C>T on transcript NM_001035.3 (MANE Select); coding-DNA position 7623, C replaced by T.
Protein change: p.His2541=; no amino-acid change (histidine 2541 retained).
Molecular consequence: synonymous variant.
Genome position (GRCh38, 1-based): chr1:237,649,987, C>T. VCF-style: chr1-237649987-C-T. GRCh37 (hg19) VCF-style: chr1-237813287-C-T.
Other names: c.7623C>T, p.His2541= (LRG_402t1).
Identifiers: ClinVar variation 463639 (VCV000463639.58), dbSNP rs753435083, ClinGen allele CA087435.
Genomic context (GRCh38, chr1:237,649,987, plus strand): 5'-CACAGCCGTCTTGCCATTGTTAACAAGATGTGCTCCTCTCTTTGCTGGCACAGAGCACCA[C>T]GCTTCTCTCATTGACTCATTACTTCATACTGTGTATAGACTTTCTAAGGGCTGTTCACTT-3'
Protein context (NP_001026.2, residues 2531-2551): CAPLFAGTEH[His2541=]ASLIDSLLHT

ClinVar aggregate classification (germline): Likely benign. Review status: criteria provided, multiple submitters, no conflicts (2 of 4 stars). 8 submissions from 8 submitters: Likely benign (8). Last evaluated 2025-09-18.

Conditions:
RYR2-related disorder. Also called: RYR2-related condition.
Cardiomyopathy (CMYO). Also called: Cardiomyopathies. Identifiers: Orphanet 167848, MedGen C0878544, MONDO:0004994, HP:0001638. Inheritance: Various modes of inheritance.
Catecholaminergic polymorphic ventricular tachycardia (CVPT). Also called: Catecholamine-induced polymorphic ventricular tachycardia. Identifiers: Orphanet 3286, MedGen C5574922, MONDO:0017990.
Catecholaminergic polymorphic ventricular tachycardia 1. Also called: VENTRICULAR TACHYCARDIA, STRESS-INDUCED POLYMORPHIC 1; VENTRICULAR TACHYCARDIA, CATECHOLAMINERGIC POLYMORPHIC, 1, WITH OR WITHOUT ATRIAL DYSFUNCTION AND/OR DILATED CARDIOMYOPATHY; RYR2-Related Catecholaminergic Polymorphic Ventricular Tachycardia. Identifiers: Orphanet 3286, MedGen C1631597, MONDO:0011484, OMIM 604772.
Cardiovascular phenotype. Identifiers: MedGen CN230736.

Allele frequency attached by ClinVar (database versions not stated): gnomAD exomes 0.00003; TOPMed 0.00003; ExAC 0.00004; gnomAD 0.00004 and 0.00005.
gnomAD v4.1: 56 of 1,613,844 alleles (0.0035%); highest among the groups gnomAD compares: Middle Eastern, 0.033%; no homozygotes.

Submissions (8):

Labcorp Genetics (formerly Invitae), Labcorp
Classification: Likely benign for Catecholaminergic polymorphic ventricular tachycardia 1. Last evaluated: 2025-09-18. Review status: criteria provided, single submitter. Criteria: Invitae Variant Classification Sherloc (09022015). Collection method: clinical testing. Allele origin: germline.

PreventionGenetics, part of Exact Sciences
Classification: Likely benign for RYR2-related condition. Last evaluated: 2025-03-20. Review status: criteria provided, single submitter. Criteria: ACMG Guidelines, 2015. Collection method: clinical testing. Allele origin: germline.
Comment: This variant is classified as likely benign based on ACMG/AMP sequence variant interpretation guidelines (Richards et al. 2015 PMID: 25741868, with internal and published modifications).

All of Us Research Program, National Institutes of Health
Classification: Likely benign for Catecholaminergic polymorphic ventricular tachycardia. Last evaluated: 2024-02-05. Review status: criteria provided, single submitter. Criteria: ACMG Guidelines, 2015. Collection method: clinical testing. Allele origin: germline. Inheritance: Autosomal dominant inheritance. Observed: 6 variant alleles, 6 heterozygotes.
Comment: This study involves interpretation of variants in research participants for the purpose of population health screening. Participant phenotype was not available at the time of variant classification. Additional details can be found in publication PMID: 35346344, PMCID: PMC8962531

Blueprint Genetics
Classification: Likely benign. Last evaluated: 2021-08-30. Review status: criteria provided, single submitter. Criteria: ACMG Guidelines, 2015. Collection method: clinical testing. Allele origin: germline.

GeneDx
Classification: Likely benign. Last evaluated: 2020-07-08. Review status: criteria provided, single submitter. Criteria: GeneDx Variant Classification Process June 2021. Collection method: clinical testing. Allele origin: germline. Affected: yes.

Ambry Genetics
Classification: Likely benign for Cardiovascular phenotype. Last evaluated: 2019-10-15. Review status: criteria provided, single submitter. Criteria: Ambry Variant Classification Scheme 2023. Collection method: clinical testing. Allele origin: germline.

CeGaT Center for Human Genetics Tuebingen
Classification: Likely benign. Last evaluated: 2019-06-01. Review status: criteria provided, single submitter. Criteria: CeGaT Center For Human Genetics Tuebingen Variant Classification Criteria Version 2. Collection method: clinical testing. Allele origin: germline. Affected: yes. Observed: 1 variant allele.

Color Diagnostics, LLC DBA Color Health
Classification: Likely benign for Cardiomyopathy. Last evaluated: 2018-04-20. Review status: criteria provided, single submitter. Criteria: ACMG Guidelines, 2015. Collection method: clinical testing. Allele origin: germline.